The following is an entry in ClinVar:

ClinVar aggregate classification (germline): Uncertain significance (1 of 4 stars; one submission).

Conditions:
Epileptic encephalopathy. Identifiers: MedGen C0543888, HP:0200134.

gnomAD v4.1: 22 of 1,612,222 alleles (0.0014%); highest among the groups gnomAD compares: East Asian, 0.029%; no homozygotes.

Submission:

Labcorp Genetics (formerly Invitae), Labcorp
Classification: Uncertain significance for Epileptic encephalopathy. Last evaluated: 2025-11-12. Review status: criteria provided, single submitter. Criteria: Invitae Variant Classification Sherloc (09022015). Collection method: clinical testing. Allele origin: germline.
Comment: This sequence change replaces serine, which is neutral and polar, with phenylalanine, which is neutral and non-polar, at codon 856 of the FASN protein (p.Ser856Phe). This variant is present in population databases (rs561030804, gnomAD 0.03%). This variant has not been reported in the literature in individuals affected with FASN-related conditions. ClinVar contains an entry for this variant (Variation ID: 3667042). An algorithm developed to predict the effect of missense changes on protein structure and function (PolyPhen-2) suggests that this variant is likely to be disruptive. In summary, the available evidence is currently insufficient to determine the role of this variant in disease. Therefore, it has been classified as a Variant of Uncertain Significance.

NM_004104.5(FASN):c.2567C>T (p.Ser856Phe)

Gene: FASN (fatty acid synthase; minus strand). Cytogenetic location: 17q25.3.
Variant type: single nucleotide variant.
Coding change: c.2567C>T on transcript NM_004104.5 (MANE Select); coding-DNA position 2567, C replaced by T.
Protein change: p.Ser856Phe; replaces serine 856 with phenylalanine.
Molecular consequence: missense variant.
Genome position (GRCh38, 1-based): chr17:82,088,416, G>A on the plus strand (C>T on the coding strand, the complement: FASN is on the minus strand). VCF-style: chr17-82088416-G-A. GRCh37 (hg19) VCF-style: chr17-80046292-G-A.
Other names: short protein forms S856F.
Identifiers: ClinVar variation 3667042 (VCV003667042.2).
Genomic context (GRCh38, chr17:82,088,416, plus strand): 5'-GAAGAGTCTGCCCACCCGCCGGGCCCCTGCTCACCGATGTTGTAGATGGCGGCTGAGGGG[G>A]AACCTGAACCGTTGGGGAAGTCCTCGGCGGCCGGCACGTCCCAGGCCAGGCTGTGGTCCC-3'
Protein context (NP_004095.4, residues 846-866): AAEDFPNGSG[Ser856Phe]PSAAIYNIDT